The following is an entry in ClinVar:

ClinVar aggregate classification (germline): Uncertain significance. Review status: criteria provided, multiple submitters, no conflicts (2 of 4 stars). 2 submissions from 2 submitters: Uncertain significance (2). Last evaluated 2026-05-13.

Conditions:
Hereditary cancer-predisposing syndrome. Also called: Hereditary neoplastic syndrome; Tumor predisposition; Hereditary Cancer Syndrome; Neoplastic Syndromes, Hereditary. Identifiers: Orphanet 140162, MedGen C0027672, MeSH D009386, MONDO:0015356.
Tuberous sclerosis 2 (TSC2). Identifiers: Orphanet 805, MedGen C1860707, MONDO:0013199, OMIM 613254.

Submissions (2):

Ambry Genetics
Classification: Uncertain significance for Hereditary cancer-predisposing syndrome. Last evaluated: 2026-05-13. Review status: criteria provided, single submitter. Criteria: Ambry Variant Classification Scheme 2023. Collection method: clinical testing. Allele origin: germline.
Comment: The p.E1179G variant (also known as c.3536A>G), located in coding exon 29 of the TSC2 gene, results from an A to G substitution at nucleotide position 3536. The glutamic acid at codon 1179 is replaced by glycine, an amino acid with similar properties. This amino acid position is not well conserved in available vertebrate species. In addition, the in silico prediction for this alteration is inconclusive. Based on the available evidence, the clinical significance of this variant remains unclear.

Labcorp Genetics (formerly Invitae), Labcorp
Classification: Uncertain significance for Tuberous sclerosis 2. Last evaluated: 2024-07-10. Review status: criteria provided, single submitter. Criteria: Invitae Variant Classification Sherloc (09022015). Collection method: clinical testing. Allele origin: germline.
Comment: This sequence change replaces glutamic acid, which is acidic and polar, with glycine, which is neutral and non-polar, at codon 1179 of the TSC2 protein (p.Glu1179Gly). This variant is not present in population databases (gnomAD no frequency). This variant has not been reported in the literature in individuals affected with TSC2-related conditions. Advanced modeling of protein sequence and biophysical properties (such as structural, functional, and spatial information, amino acid conservation, physicochemical variation, residue mobility, and thermodynamic stability) performed at Invitae indicates that this missense variant is not expected to disrupt TSC2 protein function with a negative predictive value of 95%. In summary, the available evidence is currently insufficient to determine the role of this variant in disease. Therefore, it has been classified as a Variant of Uncertain Significance.

NM_000548.5(TSC2):c.3536A>G (p.Glu1179Gly)

Gene: TSC2 (TSC complex subunit 2; plus strand). Cytogenetic location: 16p13.3.
Variant type: single nucleotide variant.
Coding change: c.3536A>G on transcript NM_000548.5 (MANE Select); coding-DNA position 3536, A replaced by G.
Protein change: p.Glu1179Gly; replaces glutamic acid 1179 with glycine.
Molecular consequence: missense variant. On other transcripts: non-coding transcript variant (5).
Genome position (GRCh38, 1-based): chr16:2,080,303, A>G. VCF-style: chr16-2080303-A-G. GRCh37 (hg19) VCF-style: chr16-2130304-A-G.
Other names: c.2063A>G, p.Glu688Gly (NM_001406694.1, NM_001406693.1, NM_001406690.1 and 1 more transcripts); c.2060A>G, p.Glu687Gly (NM_001406695.1, NM_001406696.1, NM_001406697.1 and 1 more transcripts); c.1802A>G, p.Glu601Gly (NM_001406698.1); c.3407A>G, p.Glu1136Gly (NM_021055.3, NM_001363528.2, NM_001370405.1); c.3404A>G, p.Glu1135Gly (NM_001077183.3, NM_001370404.1, NM_001406665.1); c.3536A>G, p.Glu1179Gly (NM_001114382.3); c.3296A>G, p.Glu1099Gly (NM_001318827.2); c.3260A>G, p.Glu1087Gly (NM_001318829.2); and 18 more; short protein forms E1116G, E1130G, E1165G, E1178G, E1179G, E1086G, E1099G, E1135G.
Identifiers: ClinVar variation 3637221 (VCV003637221.3).